The following is an entry in ClinVar:

NM_016373.4(WWOX):c.599A>G (p.Lys200Arg)

Gene: WWOX (WW domain containing oxidoreductase; plus strand). Cytogenetic location: 16q23.1.
Variant type: single nucleotide variant.
Coding change: c.599A>G on transcript NM_016373.4 (MANE Select); coding-DNA position 599, A replaced by G.
Protein change: p.Lys200Arg; replaces lysine 200 with arginine.
Molecular consequence: missense variant.
Genome position (GRCh38, 1-based): chr16:78,386,942, A>G. VCF-style: chr16-78386942-A-G. GRCh37 (hg19) VCF-style: chr16-78420839-A-G.
Other names: c.260A>G, p.Lys87Arg (NM_001291997.2); c.599A>G (NM_016373.2); short protein forms K200R, K87R.
Identifiers: ClinVar variation 581945 (VCV000581945.7), dbSNP rs1011606866, ClinGen allele CA284567809.

ClinVar aggregate classification (germline): Uncertain significance. Review status: criteria provided, multiple submitters, no conflicts (2 of 4 stars). 2 submissions from 2 submitters: Uncertain significance (2). Last evaluated 2022-06-27.

Conditions:
Inborn genetic diseases. Identifiers: MedGen C0950123, MeSH D030342.
Autosomal recessive spinocerebellar ataxia 12. Also called: SPINOCEREBELLAR ATAXIA WITH MENTAL RETARDATION AND EPILEPSY. Identifiers: Orphanet 284282, MedGen C3280452, MONDO:0013687, OMIM 614322.
Developmental and epileptic encephalopathy, 1 (DEE1). Also called: X-linked infantile spasms; West's syndrome; Tonic spasms with clustering, arrest of psychomotor development and hypsarrhythmia on EEG; X-Linked Infantile Spasm Syndrome; OHTAHARA SYNDROME, X-LINKED; INFANTILE SPASM SYNDROME, X-LINKED 1. Identifiers: MedGen C3463992, MONDO:0010632, OMIM 308350. Disease mechanism: loss of function.

Allele frequency attached by ClinVar (database versions not stated): gnomAD 0.00001; gnomAD exomes 0.00001; TOPMed 0.00001.
gnomAD v4.1: 8 of 1,613,870 alleles (0.0005%); highest among the groups gnomAD compares: African/African-American, 0.0067%; no homozygotes.

Submissions (2):

Labcorp Genetics (formerly Invitae), Labcorp
Classification: Uncertain significance for Developmental and epileptic encephalopathy, 1; Autosomal recessive spinocerebellar ataxia 12. Last evaluated: 2022-06-27. Review status: criteria provided, single submitter. Criteria: Invitae Variant Classification Sherloc (09022015). Collection method: clinical testing. Allele origin: germline.
Comment: This sequence change replaces lysine, which is basic and polar, with arginine, which is basic and polar, at codon 200 of the WWOX protein (p.Lys200Arg). This variant is present in population databases (no rsID available, gnomAD 0.003%). This variant has not been reported in the literature in individuals affected with WWOX-related conditions. ClinVar contains an entry for this variant (Variation ID: 581945). Algorithms developed to predict the effect of missense changes on protein structure and function are either unavailable or do not agree on the potential impact of this missense change (SIFT: "Not Available"; PolyPhen-2: "Benign"; Align-GVGD: "Not Available"). In summary, the available evidence is currently insufficient to determine the role of this variant in disease. Therefore, it has been classified as a Variant of Uncertain Significance.

Ambry Genetics
Classification: Uncertain significance for Inborn genetic diseases. Last evaluated: 2021-03-19. Review status: criteria provided, single submitter. Criteria: Ambry Variant Classification Scheme 2023. Collection method: clinical testing. Allele origin: germline.
Comment: The c.599A>G (p.K200R) alteration is located in exon 6 (coding exon 6) of the WWOX gene. This alteration results from a A to G substitution at nucleotide position 599, causing the lysine (K) at amino acid position 200 to be replaced by an arginine (R). The p.K200R alteration is predicted to be tolerated by in silico analysis. Based on insufficient or conflicting evidence, the clinical significance of this alteration remains unclear.